The following is an entry in ClinVar:

NM_000400.4(ERCC2):c.1136T>G (p.Leu379Arg)

Gene: ERCC2 (ERCC excision repair 2, TFIIH core complex helicase subunit; minus strand). Cytogenetic location: 19q13.32.
Variant type: single nucleotide variant.
Coding change: c.1136T>G on transcript NM_000400.4 (MANE Select); coding-DNA position 1136, T replaced by G.
Protein change: p.Leu379Arg; replaces leucine 379 with arginine.
Molecular consequence: missense variant.
Genome position (GRCh38, 1-based): chr19:45,361,625, A>C on the plus strand (T>G on the coding strand, the complement: ERCC2 is on the minus strand). VCF-style: chr19-45361625-A-C. GRCh37 (hg19) VCF-style: chr19-45864883-A-C.
Other names: c.1064T>G, p.Leu355Arg (NM_001130867.2); short protein forms L355R, L379R.
Identifiers: ClinVar variation 1729860 (VCV001729860.2), dbSNP rs2514023552, ClinGen allele CA406370121.

ClinVar aggregate classification (germline): Uncertain significance (1 of 4 stars; one submission).

Conditions:
Inborn genetic diseases. Identifiers: MedGen C0950123, MeSH D030342.

Allele frequency attached by ClinVar (database versions not stated): gnomAD exomes below 0.00001.
gnomAD v4.1: 1 of 1,613,686 alleles (0.000062%); highest among the groups gnomAD compares: Non-Finnish European, 0.000085%; no homozygotes.

Submission:

Ambry Genetics
Classification: Uncertain significance for Inborn genetic diseases. Last evaluated: 2022-02-08. Review status: criteria provided, single submitter. Criteria: Ambry Variant Classification Scheme 2023. Collection method: clinical testing. Allele origin: germline.
Comment: The p.L379R variant (also known as c.1136T>G), located in coding exon 12 of the ERCC2 gene, results from a T to G substitution at nucleotide position 1136. The leucine at codon 379 is replaced by arginine, an amino acid with dissimilar properties. This amino acid position is conserved. In addition, this alteration is predicted to be deleterious by in silico analysis. Since supporting evidence is limited at this time, the clinical significance of this alteration remains unclear.